The following is an entry in ClinVar:

NM_005670.4(EPM2A):c.120G>C (p.Leu40=)

Genes: EPM2A (EPM2A glucan phosphatase, laforin; minus strand), EPM2A-DT (EPM2A divergent transcript; plus strand), LOC129997381 (ATAC-STARR-seq lymphoblastoid silent region 17642; plus strand). Cytogenetic location: 6q24.3.
Variant type: single nucleotide variant.
Coding change: c.120G>C on transcript NM_005670.4 (MANE Select); coding-DNA position 120, G replaced by C.
Protein change: p.Leu40=; no amino-acid change (leucine 40 retained).
Molecular consequence: synonymous variant. On other transcripts: 5 prime UTR variant (3), intron variant (1).
Genome position (GRCh38, 1-based): chr6:145,735,379, C>G on the plus strand (G>C on the coding strand, the complement: EPM2A is on the minus strand). VCF-style: chr6-145735379-C-G. GRCh37 (hg19) VCF-style: chr6-146056515-C-G.
Other names: c.120G>C, p.Leu40= (NM_001018041.2, NM_001360057.2, NM_001368130.1); c.-550G>C (NM_001360071.2); c.-504G>C (NM_001368129.2); c.-248G>C (NM_001368131.1); c.-114+529G>C (NM_001360064.2).
Identifiers: ClinVar variation 1750006 (VCV001750006.6), dbSNP rs1264709179, ClinGen allele CA452726468.
Genomic context (GRCh38, chr6:145,735,379, plus strand): 5'-CCACAGGCCCGGCTCCTGCAGGGCCAGGGCCCCGTCGCCCGCCGCGGTGCCGGCCGGCCT[C>G]AGGCGGACGGCACCGCGCGGCTCCCAACGCCCCAGCTCGGGCCGCGACCCCACCACCAGC-3'
Protein context (NP_005661.1, residues 30-50): GRWEPRGAVR[Leu40=]RPAGTAAGDG

ClinVar aggregate classification (germline): Likely benign. Review status: criteria provided, multiple submitters, no conflicts (2 of 4 stars). 3 submissions from 3 submitters: Likely benign (2). 1 of the submissions does not count toward it. Last evaluated 2024-09-27.

Conditions:
EPM2A-related disorder. Also called: EPM2A-related condition.
Progressive myoclonic epilepsy. Also called: Progressive myoclonus epilepsy; Familial progressive myoclonic epilepsy; Myoclonus epilepsy; Myoclonic Epilepsies, Progressive. Identifiers: Orphanet 308, Orphanet 98261, MedGen C0751778, MONDO:0020074.
Inborn genetic diseases. Identifiers: MedGen C0950123, MeSH D030342.

Submissions (3):

Labcorp Genetics (formerly Invitae), Labcorp
Classification: Likely benign for Progressive myoclonic epilepsy. Last evaluated: 2024-09-27. Review status: criteria provided, single submitter. Criteria: Invitae Variant Classification Sherloc (09022015). Collection method: clinical testing. Allele origin: germline.

Ambry Genetics
Classification: Likely benign for Inborn genetic diseases. Last evaluated: 2019-10-02. Review status: criteria provided, single submitter. Criteria: Ambry Variant Classification Scheme 2023. Collection method: clinical testing. Allele origin: germline.

PreventionGenetics, part of Exact Sciences
Classification: Likely benign for EPM2A-related condition. Last evaluated: 2023-08-24. Review status: no assertion criteria provided. Collection method: clinical testing. Allele origin: germline. Not counted in ClinVar's aggregate classification.
Comment: This variant is classified as likely benign based on ACMG/AMP sequence variant interpretation guidelines (Richards et al. 2015 PMID: 25741868, with internal and published modifications).